The following is an entry in ClinVar:

NM_000514.4(GDNF):c.*5G>A

Gene: GDNF (glial cell derived neurotrophic factor; minus strand). Cytogenetic location: 5p13.2.
Variant type: single nucleotide variant.
Coding change: c.*5G>A on transcript NM_000514.4 (MANE Select); 5 bases downstream of the stop codon, G replaced by A.
Molecular consequence: 3 prime UTR variant.
Genome position (GRCh38, 1-based): chr5:37,815,646, C>T on the plus strand (G>A on the coding strand, the complement: GDNF is on the minus strand). VCF-style: chr5-37815646-C-T. GRCh37 (hg19) VCF-style: chr5-37815748-C-T.
Other names: c.*5G>A (NM_001190468.1, NM_001190469.1, NM_001278098.1 and 1 more transcripts).
Identifiers: ClinVar variation 667238 (VCV000667238.8), dbSNP rs145996577, ClinGen allele CA3241159.
Genomic context (GRCh38, chr5:37,815,646, plus strand): 5'-GAACCTTGGTCCCTTTCTTTGCACTGTAGCAGGAATGCAATACACAGCAGTCTCTGGAGC[C>T]GGAGTCAGATACATCCACACCTTTTAGCGGAATGCTTTCTTAGAATATGGTAAACCAGGT-3'

ClinVar aggregate classification (germline): Conflicting classifications of pathogenicity. Review status: criteria provided, conflicting classifications (1 of 4 stars). 2 submissions from 2 submitters: Uncertain significance (1); Likely benign (1). Last evaluated 2018-05-03.

Conditions:
Hirschsprung disease, susceptibility to, 3. Identifiers: Orphanet 388, MedGen C3150974, MONDO:0013383, OMIM 613711.

Allele frequency attached by ClinVar (database versions not stated): TOPMed 0.00028; 1000 Genomes Project 30x 0.00031; 1000 Genomes Project 0.00040; gnomAD 0.00044 and 0.00045; ESP Exome Variant Server 0.00046; gnomAD exomes 0.00047 and 0.00073; ExAC 0.00049.
gnomAD v4.1: 1,118 of 1,613,202 alleles (0.069%); highest among the groups gnomAD compares: Non-Finnish European, 0.084%; no homozygotes.

Submissions (2):

Laboratory for Molecular Medicine, Mass General Brigham Personalized Medicine
Classification: Uncertain significance. Last evaluated: 2018-05-03. Review status: criteria provided, single submitter. Criteria: LMM Criteria. Collection method: clinical testing. Allele origin: germline. Observed: 1 variant allele.
Comment: Variant classified as Uncertain Significance - Favor Benign. The *5G>A variant i n GDNF has not been reported in individuals with pulmonary disease, but has been identified in 0.1% (25/25794) of Finnish chromosomes by the Genome Aggregation Database (dbSNP ID: rs145996577). This variant occurs in the 3' UTR and its impact is unclear. In summary, the clinical significance of the c.*5G>C variant is uncertain, though its frequency suggests that it is mo re likely benign. ACMG/AMP criteria applied: BS1_Supporting.

Illumina Laboratory Services, Illumina
Classification: Likely benign for Hirschsprung disease, susceptibility to, 3. Last evaluated: 2018-01-12. Review status: criteria provided, single submitter. Criteria: ICSL Variant Classification Criteria 13 December 2019. Collection method: clinical testing. Allele origin: germline.
Comment: This variant was observed in the ICSL laboratory as part of a predisposition screen in an ostensibly healthy population. It had not been previously curated by ICSL or reported in the Human Gene Mutation Database (HGMD: prior to June 1st, 2018), and was therefore a candidate for classification through an automated scoring system. Utilizing variant allele frequency, disease prevalence and penetrance estimates, and inheritance mode, an automated score was calculated to assess if this variant is too frequent to cause the disease. Based on the score and internal cut-off values, a variant classified as likely benign is not then subjected to further curation. The score for this variant resulted in a classification of likely benign for this disease.